The following is an entry in ClinVar:

ClinVar aggregate classification (germline): Pathogenic. Review status: criteria provided, multiple submitters, no conflicts (2 of 4 stars). 9 submissions from 9 submitters: Pathogenic (5). 4 of the submissions do not count toward it. Last evaluated 2025-11-28.

Conditions:
ABCA4-related disorder. Also called: ABCA4-related condition; ABCA4-related disorders. Identifiers: MedGen CN239167.
Stargardt disease (FFM). Also called: Fundus flavimaculatus; Stargardt's disease. Identifiers: Orphanet 827, MedGen C0271093, MONDO:0019353.
Severe early-childhood-onset retinal dystrophy (STGD1). Also called: MACULAR DYSTROPHY WITH FLECKS, TYPE 1; STGD; Stargardt disease 1; Stargardt macular dystrophy; Juvenile onset macular degeneration. Identifiers: Orphanet 364055, Orphanet 827, MedGen C1855465, MeSH D000080362, MONDO:0009549, OMIM 248200.

Allele frequency attached by ClinVar (database versions not stated): TOPMed below 0.00001; gnomAD 0.00001.
gnomAD v4.1: 2 of 1,613,296 alleles (0.00012%); highest among the groups gnomAD compares: Admixed American, 0.0017%; no homozygotes.

Submissions (9):

Dasa
Classification: Pathogenic. Last evaluated: 2025-11-28. Review status: criteria provided, single submitter. Criteria: DASA Assertion Criteria. Collection method: clinical testing. Allele origin: germline.
Comment: NM_000350.3(ABCA4):c.4436G>A (p.Trp1479*) introduces a premature termination codon predicted to result in loss of normal protein function. Loss-of-function is an established mechanism of disease for this gene. This variant has been observed in affected individuals with related phenotype in a genotype context consistent with recessive disease (PMID: 28365912; PMID: 19265867; PMID: 10958761; PMID: 24938718). This variant has been recurrently observed in individuals with related phenotype (PMID: 28365912; PMID: 19265867; PMID: 10958761; PMID: 24938718). The variant is present at low frequency in population datasets. Based on the available data, this variant is classified as pathogenic.

Labcorp Genetics (formerly Invitae), Labcorp
Classification: Pathogenic. Last evaluated: 2024-11-11. Review status: criteria provided, single submitter. Criteria: Invitae Variant Classification Sherloc (09022015). Collection method: clinical testing. Allele origin: germline.
Comment: This sequence change creates a premature translational stop signal (p.Trp1479*) in the ABCA4 gene. It is expected to result in an absent or disrupted protein product. Loss-of-function variants in ABCA4 are known to be pathogenic (PMID: 10958761, 24938718, 25312043, 26780318). This variant is not present in population databases (gnomAD no frequency). This premature translational stop signal has been observed in individual(s) with Stargardt disease (PMID: 28365912). ClinVar contains an entry for this variant (Variation ID: 99282). For these reasons, this variant has been classified as Pathogenic.

Women's Health and Genetics/Laboratory Corporation of America, LabCorp
Classification: Pathogenic for Stargardt disease. Last evaluated: 2024-11-08. Review status: criteria provided, single submitter. Criteria: LabCorp Variant Classification Summary - May 2015. Collection method: clinical testing. Allele origin: germline.
Comment: Variant summary: ABCA4 c.4436G>A (p.Trp1479X) results in a premature termination codon, predicted to cause absence of the protein due to nonsense mediated decay, which is a commonly known mechanism for disease. The frequency data for this variant in gnomAD is considered unreliable, as metrics indicate poor data quality at this position. c.4436G>A has been reported in the literature in individuals affected with Stargardt Disease (e.g. Passerini_2010). These data indicate that the variant may be associated with disease. The following publication has been ascertained in the context of this evaluation (PMID: 19265867). ClinVar contains an entry for this variant (Variation ID: 99282). Based on the evidence outlined above, the variant was classified as pathogenic.

Blueprint Genetics
Classification: Pathogenic for ABCA4-related disorders. Last evaluated: 2022-04-25. Review status: criteria provided, single submitter. Criteria: ACMG Guidelines, 2015. Collection method: clinical testing. Allele origin: germline. Affected: yes. Observed: 2 variant alleles.

3billion
Classification: Pathogenic for Severe early-childhood-onset retinal dystrophy. Last evaluated: 2022-01-03. Review status: criteria provided, single submitter. Criteria: ACMG Guidelines, 2015. Collection method: clinical testing. Allele origin: germline. Affected: yes. Observed: 1 heterozygote.
Comment: The variant has been reported to be associated with ABCA4 related disorder (ClinVar ID: VCV000099282, PMID:14517951).Stop-gained (nonsense): predicted to result in a loss or disruption of normal protein function through nonsense-mediated decay (NMD) or protein truncation. Multiple pathogenic variants are reported downstream of the variant (PVS1_VS). It is observed at an extremely low frequency in the gnomAD v2.1.1 dataset (total allele frequency: 0.000000, PM2_M). Therefore, this variant is classified as pathogenic according to the recommendation of ACMG/AMP guideline.

Clinical Genetics, Academic Medical Center
Classification: Pathogenic. Review status: no assertion criteria provided. Collection method: clinical testing. Allele origin: germline. Affected: yes. Study: VKGL Data-share Consensus. Not counted in ClinVar's aggregate classification.

Joint Genome Diagnostic Labs from Nijmegen and Maastricht, Radboudumc and MUMC+
Classification: Pathogenic. Review status: no assertion criteria provided. Collection method: clinical testing. Allele origin: germline. Affected: yes. Study: VKGL Data-share Consensus. Not counted in ClinVar's aggregate classification.

Ophthalmo-Genetics Lab, Instituto de Oftalmologia Conde de Valenciana
Classification: Pathogenic for Severe early-childhood-onset retinal dystrophy. Review status: no assertion criteria provided. Collection method: research. Allele origin: germline. Inheritance: Autosomal recessive inheritance. Affected: yes. Not counted in ClinVar's aggregate classification.

Retina International
No classification provided. Review status: no classification provided. Collection method: not provided. Allele origin: not provided. Not counted in ClinVar's aggregate classification.

Literature cited by the submitters: PubMed 28365912 (cited by Dasa and Labcorp Genetics (formerly Invitae), Labcorp); PubMed 19265867 (cited by Dasa and Women's Health and Genetics/Laboratory Corporation of America, LabCorp); PubMed 10958761 (cited by Dasa and Labcorp Genetics (formerly Invitae), Labcorp); PubMed 24938718 (cited by Dasa and Labcorp Genetics (formerly Invitae), Labcorp); PubMed 25312043 (cited by Labcorp Genetics (formerly Invitae), Labcorp); PubMed 26780318 (cited by Labcorp Genetics (formerly Invitae), Labcorp and Ophthalmo-Genetics Lab, Instituto de Oftalmologia Conde de Valenciana); PubMed 14517951 (cited by 3billion).

NM_000350.3(ABCA4):c.4436G>A (p.Trp1479Ter)

Gene: ABCA4 (ATP binding cassette subfamily A member 4; minus strand). Cytogenetic location: 1p22.1.
Variant type: single nucleotide variant.
Coding change: c.4436G>A on transcript NM_000350.3 (MANE Select); coding-DNA position 4436, G replaced by A.
Protein change: p.Trp1479Ter; replaces tryptophan 1479 with a stop codon.
Molecular consequence: nonsense.
Genome position (GRCh38, 1-based): chr1:94,029,548, C>T on the plus strand (G>A on the coding strand, the complement: ABCA4 is on the minus strand). VCF-style: chr1-94029548-C-T. GRCh37 (hg19) VCF-style: chr1-94495104-C-T.
Other names: c.4214G>A, p.Trp1405Ter (NM_001425324.1); short protein forms W1479*, W1405*.
Identifiers: ClinVar variation 99282 (VCV000099282.16), dbSNP rs61752434, ClinGen allele CA227190.